The following is an entry in ClinVar:

ClinVar aggregate classification (germline): Uncertain significance (1 of 4 stars; one submission).

Submission:

Labcorp Genetics (formerly Invitae), Labcorp
Classification: Uncertain significance. Last evaluated: 2024-01-29. Review status: criteria provided, single submitter. Criteria: Invitae Variant Classification Sherloc (09022015). Collection method: clinical testing. Allele origin: germline.
Comment: This sequence change replaces glutamine, which is neutral and polar, with histidine, which is basic and polar, at codon 229 of the KANK2 protein (p.Gln229His). This variant is not present in population databases (gnomAD no frequency). This variant has not been reported in the literature in individuals affected with KANK2-related conditions. An algorithm developed to predict the effect of missense changes on protein structure and function (PolyPhen-2) suggests that this variant is likely to be disruptive. In summary, the available evidence is currently insufficient to determine the role of this variant in disease. Therefore, it has been classified as a Variant of Uncertain Significance.

NM_001136191.3(KANK2):c.687A>C (p.Gln229His)

Gene: KANK2 (KN motif and ankyrin repeat domains 2; minus strand). Cytogenetic location: 19p13.2.
Variant type: single nucleotide variant.
Coding change: c.687A>C on transcript NM_001136191.3 (MANE Select); coding-DNA position 687, A replaced by C.
Protein change: p.Gln229His; replaces glutamine 229 with histidine.
Molecular consequence: missense variant.
Genome position (GRCh38, 1-based): chr19:11,193,393, T>G on the plus strand (A>C on the coding strand, the complement: KANK2 is on the minus strand). VCF-style: chr19-11193393-T-G. GRCh37 (hg19) VCF-style: chr19-11304069-T-G.
Other names: c.687A>C, p.Gln229His (NM_001329451.2, NM_001379548.1, NM_001379549.1 and 15 more transcripts); short protein forms Q229H.
Identifiers: ClinVar variation 2714144 (VCV002714144.3), dbSNP rs2512825688, ClinGen allele CA404088493.
Genomic context (GRCh38, chr19:11,193,393, plus strand): 5'-GCAGAGCTCGCTGCGACCCCGGCCCGCTGTGGGGTGGCCCAGGAACTTCTGGCTCTTAAG[T>G]TGTACTGTGAGCTGCCGCTTTTCCTCCTGGAGCACCGAGAGCTTCACCTGGAGCACAGGG-3'
Protein context (NP_001129663.1, residues 219-239): LQEEKRQLTV[Gln229His]LKSQKFLGHP